The following is an entry in ClinVar:

NM_005861.4(STUB1):c.677A>G (p.Asp226Gly)

Genes: JMJD8 (jumonji domain containing 8; minus strand), STUB1 (STIP1 homology and U-box containing protein 1; plus strand). Cytogenetic location: 16p13.3.
Variant type: single nucleotide variant.
Coding change: c.677A>G on transcript NM_005861.4 (MANE Select); coding-DNA position 677, A replaced by G.
Protein change: p.Asp226Gly; replaces aspartic acid 226 with glycine.
Molecular consequence: missense variant. On other transcripts: 3 prime UTR variant (5), non-coding transcript variant (3).
Genome position (GRCh38, 1-based): chr16:682,172, A>G. VCF-style: chr16-682172-A-G. GRCh37 (hg19) VCF-style: chr16-732172-A-G.
Other names: c.461A>G, p.Asp154Gly (NM_001293197.2); c.*622T>C (NM_001005920.4, NM_001323919.3, NM_001323920.3); c.*656T>C (NM_001323918.3, NM_001323922.3); short protein forms D226G, D154G.
Identifiers: ClinVar variation 2846333 (VCV002846333.3), dbSNP rs2543814426, ClinGen allele CA394113774.

ClinVar aggregate classification (germline): Uncertain significance (1 of 4 stars; one submission).

Submission:

Labcorp Genetics (formerly Invitae), Labcorp
Classification: Uncertain significance. Last evaluated: 2023-04-05. Review status: criteria provided, single submitter. Criteria: Invitae Variant Classification Sherloc (09022015). Collection method: clinical testing. Allele origin: germline.
Comment: Advanced modeling of protein sequence and biophysical properties (such as structural, functional, and spatial information, amino acid conservation, physicochemical variation, residue mobility, and thermodynamic stability) performed at Invitae indicates that this missense variant is not expected to disrupt STUB1 protein function. This variant has not been reported in the literature in individuals affected with STUB1-related conditions. In summary, the available evidence is currently insufficient to determine the role of this variant in disease. Therefore, it has been classified as a Variant of Uncertain Significance. This sequence change replaces aspartic acid, which is acidic and polar, with glycine, which is neutral and non-polar, at codon 226 of the STUB1 protein (p.Asp226Gly). This variant is not present in population databases (gnomAD no frequency).